The following is an entry in ClinVar:

ClinVar aggregate classification (germline): Benign/Likely benign. Review status: criteria provided, multiple submitters, no conflicts (2 of 4 stars). 6 submissions from 6 submitters: Benign (2); Likely benign (3). 1 of the submissions does not count toward it. Last evaluated 2025-12-14.

Conditions:
COL6A3-related disorder. Also called: COL6A3-related disorders; COL6A3-related condition.
Bethlem myopathy 1A. Also called: Bethlem myopathy 1; Bethlem Muscular Dystrophy; MYOPATHY, BENIGN CONGENITAL, WITH CONTRACTURES. Identifiers: Orphanet 610, MedGen CN029274, MONDO:0024530, OMIM 158810.

Allele frequency attached by ClinVar (database versions not stated): ESP Exome Variant Server 0.00015; gnomAD 0.00027; gnomAD exomes 0.00030; TOPMed 0.00030; ExAC 0.00031; 1000 Genomes Project 0.00080; 1000 Genomes Project 30x 0.00094.
gnomAD v4.1: 276 of 1,613,378 alleles (0.017%); highest among the groups gnomAD compares: East Asian, 0.29%; 5 homozygotes.

Submissions (6):

Labcorp Genetics (formerly Invitae), Labcorp
Classification: Benign for Bethlem myopathy 1A. Last evaluated: 2025-12-14. Review status: criteria provided, single submitter. Criteria: Invitae Variant Classification Sherloc (09022015). Collection method: clinical testing. Allele origin: germline.

Blueprint Genetics
Classification: Likely benign. Last evaluated: 2024-10-28. Review status: criteria provided, single submitter. Criteria: ACMG Guidelines, 2015. Collection method: clinical testing. Allele origin: germline.

GeneDx
Classification: Likely benign. Last evaluated: 2019-10-23. Review status: criteria provided, single submitter. Criteria: GeneDx Variant Classification Process June 2021. Collection method: clinical testing. Allele origin: germline. Affected: yes.

Eurofins Ntd Llc (ga)
Classification: Benign. Last evaluated: 2016-06-16. Review status: criteria provided, single submitter. Criteria: EGL Classification Definitions 2015. Collection method: clinical testing. Allele origin: germline. Observed: 1 variant allele, 1 heterozygote.

Genetic Services Laboratory, University of Chicago
Classification: Likely benign. Last evaluated: 2015-07-08. Review status: criteria provided, single submitter. Criteria: ACMG Guidelines, 2015. Collection method: clinical testing. Allele origin: germline.

PreventionGenetics, part of Exact Sciences
Classification: Likely benign for COL6A3-related condition. Last evaluated: 2023-12-15. Review status: no assertion criteria provided. Collection method: clinical testing. Allele origin: germline. Not counted in ClinVar's aggregate classification.
Comment: This variant is classified as likely benign based on ACMG/AMP sequence variant interpretation guidelines (Richards et al. 2015 PMID: 25741868, with internal and published modifications).

NM_004369.4(COL6A3):c.7359G>A (p.Glu2453=)

Gene: COL6A3 (collagen type VI alpha 3 chain; minus strand). Cytogenetic location: 2q37.3.
Variant type: single nucleotide variant.
Coding change: c.7359G>A on transcript NM_004369.4 (MANE Select); coding-DNA position 7359, G replaced by A.
Protein change: p.Glu2453=; no amino-acid change (glutamic acid 2453 retained).
Molecular consequence: synonymous variant.
Genome position (GRCh38, 1-based): chr2:237,344,659, C>T on the plus strand (G>A on the coding strand, the complement: COL6A3 is on the minus strand). VCF-style: chr2-237344659-C-T. GRCh37 (hg19) VCF-style: chr2-238253302-C-T.
Other names: c.5538G>A, p.Glu1846= (NM_057166.5); c.6741G>A, p.Glu2247= (NM_057167.4).
Identifiers: ClinVar variation 210753 (VCV000210753.25), dbSNP rs114199044, ClinGen allele CA207635.